The following is an entry in ClinVar:

NM_000051.4(ATM):c.1608-13_1626del

Gene: ATM (ATM serine/threonine kinase; plus strand). Cytogenetic location: 11q22.3.
Variant type: Deletion.
Coding change: c.1608-13_1626del on transcript NM_000051.4 (MANE Select); 13 bases into the intron before coding-DNA position 1608 through coding-DNA position 1626, 32 bases deleted.
Molecular consequence: splice acceptor variant.
Genome position (GRCh38, 1-based): chr11:108,251,824-108,251,855, 32 bases deleted. GRCh37 (hg19): chr11:108,122,551-108,122,582.
Other names: c.1608-13_1626del (NM_001351834.2).
Identifiers: ClinVar variation 4843919 (VCV004843919.1).

ClinVar aggregate classification (germline): Uncertain significance (1 of 4 stars; one submission).

Conditions:
Hereditary cancer-predisposing syndrome. Also called: Neoplastic Syndromes, Hereditary; Tumor predisposition; Hereditary Cancer Syndrome; Hereditary neoplastic syndrome. Identifiers: Orphanet 140162, MedGen C0027672, MeSH D009386, MONDO:0015356.

Submission:

Ambry Genetics
Classification: Uncertain significance for Hereditary cancer-predisposing syndrome. Last evaluated: 2026-01-14. Review status: criteria provided, single submitter. Criteria: Ambry Variant Classification Scheme 2023. Collection method: clinical testing. Allele origin: germline.
Comment: The c.1608-13_1626del32 variant results from a deletion of 32 nucleotides between positions c.1608-13 and c.1626 and involves the canonical splice acceptor site before coding exon 10 of the ATM gene. The canonical splice acceptor site is highly conserved in available vertebrate species. In silico splice site analysis predicts that this alteration may weaken the native splice acceptor site; however, the exact impact of this deletion on splicing and function is currently unknown. A resulting transcript is predicted to be in-frame and is not expected to trigger nonsense-mediated mRNA decay; although, direct evidence is unavailable. Based on the available evidence, the clinical significance of this variant remains unclear.